The following is an entry in ClinVar:

NM_004700.4(KCNQ4):c.465A>C (p.Gly155=)

Gene: KCNQ4 (potassium voltage-gated channel subfamily Q member 4; plus strand). Cytogenetic location: 1p34.2.
Variant type: single nucleotide variant.
Coding change: c.465A>C on transcript NM_004700.4 (MANE Select); coding-DNA position 465, A replaced by C.
Protein change: p.Gly155=; no amino-acid change (glycine 155 retained).
Molecular consequence: synonymous variant.
Genome position (GRCh38, 1-based): chr1:40,818,223, A>C. VCF-style: chr1-40818223-A-C. GRCh37 (hg19) VCF-style: chr1-41283895-A-C.
Other names: c.465A>C, p.Gly155= (NM_172163.3).
Identifiers: ClinVar variation 178388 (VCV000178388.40), dbSNP rs145129529, ClinGen allele CA182233.

ClinVar aggregate classification (germline): Benign/Likely benign. Review status: criteria provided, multiple submitters, no conflicts (2 of 4 stars). 7 submissions from 7 submitters: Benign (1); Likely benign (5). 1 of the submissions does not count toward it. Last evaluated 2026-08-01.

Conditions:
KCNQ4-related disorder. Also called: KCNQ4-related condition.
Autosomal dominant nonsyndromic hearing loss 2A. Also called: Autosomal dominant nonsyndromic deafness 2A; DFNA2 Nonsyndromic Hearing Loss; Deafness, autosomal dominant 2A. Identifiers: Orphanet 90635, MedGen C2677637, MONDO:0010817, OMIM 600101.

Allele frequency attached by ClinVar (database versions not stated): gnomAD exomes 0.00071 and 0.00101; ExAC 0.00081; gnomAD 0.00081 and 0.00082; 1000 Genomes Project 0.00040; 1000 Genomes Project 30x 0.00047; TOPMed 0.00051; ESP Exome Variant Server 0.00069.
gnomAD v4.1: 1,148 of 1,613,784 alleles (0.071%); highest among the groups gnomAD compares: Admixed American, 0.12%; 2 homozygotes.

Submissions (7):

CeGaT Center for Human Genetics Tuebingen
Classification: Likely benign. Last evaluated: 2026-08-01. Review status: criteria provided, single submitter. Criteria: CeGaT Center For Human Genetics Tuebingen Variant Classification Criteria Version 2. Collection method: clinical testing. Allele origin: germline. Affected: yes. Observed: 3 variant alleles.
Comment: KCNQ4: BP4, BP7

Labcorp Genetics (formerly Invitae), Labcorp
Classification: Benign. Last evaluated: 2026-01-20. Review status: criteria provided, single submitter. Criteria: Invitae Variant Classification Sherloc (09022015). Collection method: clinical testing. Allele origin: germline.

Blueprint Genetics
Classification: Likely benign. Last evaluated: 2024-11-15. Review status: criteria provided, single submitter. Criteria: ACMG Guidelines, 2015. Collection method: clinical testing. Allele origin: germline.

Genome-Nilou Lab
Classification: Likely benign for Autosomal dominant nonsyndromic hearing loss 2A. Last evaluated: 2023-04-11. Review status: criteria provided, single submitter. Criteria: ACMG Guidelines, 2015. Collection method: clinical testing. Allele origin: germline. Affected: no.

GeneDx
Classification: Likely benign. Last evaluated: 2020-03-17. Review status: criteria provided, single submitter. Criteria: GeneDx Variant Classification Process June 2021. Collection method: clinical testing. Allele origin: germline. Affected: yes.

Laboratory for Molecular Medicine, Mass General Brigham Personalized Medicine
Classification: Likely benign. Last evaluated: 2012-04-30. Review status: criteria provided, single submitter. Criteria: LMM Criteria. Collection method: clinical testing. Allele origin: germline. Observed: 2 variant alleles.
Comment: Gly155Gly in Exon 03 of KCNQ4: This variant is not expected to have clinical sig nificance because it does not alter an amino acid residue, is not located within the splice consensus sequence, and has been identified in 0.1% (8/7020) of Euro pean American chromosomes from a broad population by the NHLBI Exome Sequencing Project (dbSNP rs145129529).

PreventionGenetics, part of Exact Sciences
Classification: Likely benign for KCNQ4-related condition. Last evaluated: 2019-08-02. Review status: no assertion criteria provided. Collection method: clinical testing. Allele origin: germline. Not counted in ClinVar's aggregate classification.
Comment: This variant is classified as likely benign based on ACMG/AMP sequence variant interpretation guidelines (Richards et al. 2015 PMID: 25741868, with internal and published modifications).